The following is an entry in ClinVar:

NM_001453.3(FOXC1):c.377T>G (p.Ile126Ser)

Gene: FOXC1 (forkhead box C1; plus strand). Cytogenetic location: 6p25.3.
Variant type: single nucleotide variant.
Coding change: c.377T>G on transcript NM_001453.3 (MANE Select); coding-DNA position 377, T replaced by G.
Protein change: p.Ile126Ser; replaces isoleucine 126 with serine.
Molecular consequence: missense variant.
Genome position (GRCh38, 1-based): chr6:1,610,822, T>G. VCF-style: chr6-1610822-T-G. GRCh37 (hg19) VCF-style: chr6-1611057-T-G.
Other names: short protein forms I126S.
Identifiers: ClinVar variation 100688 (VCV000100688.2), dbSNP rs483352810, ClinGen allele CA248383.

ClinVar aggregate classification (germline): Pathogenic (0 of 4 stars; one submission).

Submission:

Human Genetics School of Medicine of Albacete, Castilla-La Mancha University
Classification: Pathogenic. Review status: no assertion criteria provided. Collection method: not provided. Allele origin: inherited.
Comment: Primary Congenital Glaucoma/Juvenile Open Angle Glaucoma
ClinVar note: Converted during submission from pathogenic to Pathogenic.